The following is an entry in ClinVar:

NM_005026.5(PIK3CD):c.2206G>A (p.Asp736Asn)

Gene: PIK3CD (phosphatidylinositol-4,5-bisphosphate 3-kinase catalytic subunit delta; plus strand). Cytogenetic location: 1p36.22.
Variant type: single nucleotide variant.
Coding change: c.2206G>A on transcript NM_005026.5 (MANE Select); coding-DNA position 2206, G replaced by A.
Protein change: p.Asp736Asn; replaces aspartic acid 736 with asparagine.
Molecular consequence: missense variant.
Genome position (GRCh38, 1-based): chr1:9,722,125, G>A. VCF-style: chr1-9722125-G-A. GRCh37 (hg19) VCF-style: chr1-9782183-G-A.
Other names: c.2203G>A, p.Asp735Asn (NM_001350234.2); c.2119G>A, p.Asp707Asn (NM_001350235.1); short protein forms D707N, D735N, D736N.
Identifiers: ClinVar variation 960245 (VCV000960245.13), dbSNP rs547875116, ClinGen allele CA577459.

ClinVar aggregate classification (germline): Uncertain significance. Review status: criteria provided, multiple submitters, no conflicts (2 of 4 stars). 3 submissions from 3 submitters: Uncertain significance (2). 1 of the submissions does not count toward it. Last evaluated 2025-07-24.

Conditions:
Immunodeficiency 14 (IMD14A). Also called: ACTIVATED PI3K-DELTA SYNDROME 1; IMMUNODEFICIENCY 14A WITH LYMPHOPROLIFERATION, AUTOSOMAL DOMINANT; Activated PI3K Delta Syndrome Type 1 (APDS1); p110-DELTA-ACTIVATING MUTATION CAUSING SENESCENT T CELLS, LYMPHADENOPATHY, AND IMMUNODEFICIENCY. Identifiers: Orphanet 397596, Orphanet 693661, MedGen C5907821, MONDO:0014222, OMIM 615513.
Activated PI3K-delta syndrome. Identifiers: Orphanet 397596, MedGen C3714976, MONDO:0018338.

Allele frequency attached by ClinVar (database versions not stated): gnomAD exomes 0.00002 and 0.00003; TOPMed 0.00002; ExAC 0.00003; gnomAD 0.00005.
gnomAD v4.1: 48 of 1,612,944 alleles (0.003%); highest among the groups gnomAD compares: Admixed American, 0.005%; no homozygotes.

Submissions (3):

Labcorp Genetics (formerly Invitae), Labcorp
Classification: Uncertain significance for Activated PI3K-delta syndrome. Last evaluated: 2025-07-24. Review status: criteria provided, single submitter. Criteria: Invitae Variant Classification Sherloc (09022015). Collection method: clinical testing. Allele origin: germline.
Comment: This sequence change replaces aspartic acid, which is acidic and polar, with asparagine, which is neutral and polar, at codon 736 of the PIK3CD protein (p.Asp736Asn). This variant is present in population databases (rs547875116, gnomAD 0.006%). This variant has not been reported in the literature in individuals affected with PIK3CD-related conditions. ClinVar contains an entry for this variant (Variation ID: 960245). Invitae Evidence Modeling of protein sequence and biophysical properties (such as structural, functional, and spatial information, amino acid conservation, physicochemical variation, residue mobility, and thermodynamic stability) indicates that this missense variant is not expected to disrupt PIK3CD protein function with a negative predictive value of 80%. In summary, the available evidence is currently insufficient to determine the role of this variant in disease. Therefore, it has been classified as a Variant of Uncertain Significance.

Revvity Omics, Revvity
Classification: Uncertain significance. Last evaluated: 2019-11-18. Review status: criteria provided, single submitter. Criteria: ACMG Guidelines, 2015. Collection method: clinical testing. Allele origin: germline.

Rarefied Biosciences Lab
Classification: Likely benign for Activated PI3K-delta syndrome. Review status: no assertion criteria provided. Collection method: research. Allele origin: germline, not applicable. Affected: yes. Not counted in ClinVar's aggregate classification.
Comment: p.Asp736Asn is classified here as likely benign due to experimental evidence show no gain of mTOR function in B or T cells. The proportion of transitional B cells is normal. The proportion of circulating TFH is high compared to healthy controls, but this finding is not unique to APDS.

Literature cited by the submitters: PubMed 31031754 (cited by Rarefied Biosciences Lab).